The following is an entry in ClinVar:

ClinVar aggregate classification (germline): Benign (0 of 4 stars; one submission).

Conditions:
GATB-related disorder. Also called: GATB-related condition.

Allele frequency attached by ClinVar (database versions not stated): ExAC 0.00328; gnomAD 0.00626; TOPMed 0.00645; ESP Exome Variant Server 0.00661; 1000 Genomes Project 0.00879; 1000 Genomes Project 30x 0.00890.
gnomAD v4.1: 2,835 of 1,589,666 alleles (0.18%); highest among the groups gnomAD compares: African/African-American, 1.9%; 29 homozygotes.

Submission:

PreventionGenetics, part of Exact Sciences
Classification: Benign for GATB-related condition. Last evaluated: 2020-01-02. Review status: no assertion criteria provided. Collection method: clinical testing. Allele origin: germline.
Comment: This variant is classified as benign based on ACMG/AMP sequence variant interpretation guidelines (Richards et al. 2015 PMID: 25741868, with internal and published modifications).

NM_004564.3(GATB):c.1050C>T (p.Asp350=)

Gene: GATB (glutamyl-tRNA amidotransferase subunit B; minus strand). Cytogenetic location: 4q31.3.
Variant type: single nucleotide variant.
Coding change: c.1050C>T on transcript NM_004564.3 (MANE Select); coding-DNA position 1050, C replaced by T.
Protein change: p.Asp350=; no amino-acid change (aspartic acid 350 retained).
Molecular consequence: synonymous variant.
Genome position (GRCh38, 1-based): chr4:151,701,476, G>A on the plus strand (C>T on the coding strand, the complement: GATB is on the minus strand). VCF-style: chr4-151701476-G-A. GRCh37 (hg19) VCF-style: chr4-152622628-G-A.
Other names: c.1050C>T, p.Asp350= (NM_001363341.2).
Identifiers: ClinVar variation 3056345 (VCV003056345.2), dbSNP rs112654171, ClinGen allele CA3105715.
Genomic context (GRCh38, chr4:151,701,476, plus strand): 5'-CCGAATCTGGTCAATATTGATCACTTGCTGTGGGTCTGCACCTGCGGGCAGAGATGTGGC[G>A]TCGTAGAGCACCAGGGGAGGCAGGTTGGGTTCTGGCATGAACCTGGGCAGACAGAGGAGA-3'
Protein context (NP_004555.1, residues 340-360): EPNLPPLVLY[Asp350=]ATSLPAGADP